The following is an entry in ClinVar:

ClinVar aggregate classification (germline): Uncertain significance (1 of 4 stars; one submission).

Conditions:
RASopathy. Also called: Noonan spectrum disorder; rasopathies. Identifiers: Orphanet 536391, MedGen C5555857, MONDO:0021060.

Allele frequency attached by ClinVar (database versions not stated): ExAC 0.00002; gnomAD 0.00001; TOPMed 0.00001; gnomAD exomes 0.00002.
gnomAD v4.1: 8 of 1,614,026 alleles (0.0005%); highest among the groups gnomAD compares: Admixed American, 0.0083%; no homozygotes.

Submission:

Labcorp Genetics (formerly Invitae), Labcorp
Classification: Uncertain significance for RASopathy. Last evaluated: 2024-06-13. Review status: criteria provided, single submitter. Criteria: Invitae Variant Classification Sherloc (09022015). Collection method: clinical testing. Allele origin: germline.
Comment: This sequence change replaces valine, which is neutral and non-polar, with isoleucine, which is neutral and non-polar, at codon 120 of the BRAF protein (p.Val120Ile). This variant is present in population databases (rs766748977, gnomAD 0.01%). This missense change has been observed in individual(s) with clinical features of BRAF-related conditions (Invitae). ClinVar contains an entry for this variant (Variation ID: 543981). Advanced modeling performed at Invitae incorporating data from internal and/or published experimental studies (Invitae) indicates that this missense variant is not expected to disrupt BRAF function with a negative predictive value of 95%. In summary, the available evidence is currently insufficient to determine the role of this variant in disease. Therefore, it has been classified as a Variant of Uncertain Significance.

NM_004333.6(BRAF):c.358G>A (p.Val120Ile)

Gene: BRAF (B-Raf proto-oncogene, serine/threonine kinase; minus strand). Cytogenetic location: 7q34.
Variant type: single nucleotide variant.
Coding change: c.358G>A on transcript NM_004333.6 (MANE Select); coding-DNA position 358, G replaced by A.
Protein change: p.Val120Ile; replaces valine 120 with isoleucine.
Molecular consequence: missense variant. On other transcripts: intron variant (1).
Genome position (GRCh38, 1-based): chr7:140,834,755, C>T on the plus strand (G>A on the coding strand, the complement: BRAF is on the minus strand). VCF-style: chr7-140834755-C-T. GRCh37 (hg19) VCF-style: chr7-140534555-C-T.
Other names: c.256G>A, p.Val86Ile (NM_001378470.1); c.358G>A, p.Val120Ile (NM_001378471.1, NM_001378474.1, NM_001354609.2 and 5 more transcripts); c.202G>A, p.Val68Ile (NM_001378472.1, NM_001378473.1); c.240+15356G>A (NM_001378475.1); short protein forms V120I, V68I, V86I.
Identifiers: ClinVar variation 543981 (VCV000543981.6), dbSNP rs766748977, ClinGen allele CA4516980.